The following is an entry in ClinVar:

NM_020843.4(SCAPER):c.3088C>G (p.Pro1030Ala)

Genes: SCAPER (S-phase cyclin A associated protein in the ER; minus strand), LOC126862183 (BRD4-independent group 4 enhancer GRCh37_chr15:76726060-76727259; plus strand). Cytogenetic location: 15q24.3.
Variant type: single nucleotide variant.
Coding change: c.3088C>G on transcript NM_020843.4 (MANE Select); coding-DNA position 3088, C replaced by G.
Protein change: p.Pro1030Ala; replaces proline 1030 with alanine.
Molecular consequence: missense variant. On other transcripts: non-coding transcript variant (1).
Genome position (GRCh38, 1-based): chr15:76,434,301, G>C on the plus strand (C>G on the coding strand, the complement: SCAPER is on the minus strand). VCF-style: chr15-76434301-G-C. GRCh37 (hg19) VCF-style: chr15-76726642-G-C.
Other names: c.3106C>G (NM_001353009.1); c.2686C>G, p.Pro896Ala (NM_001353010.2, NM_001353012.2); c.2704C>G, p.Pro902Ala (NM_001353011.2); c.2350C>G, p.Pro784Ala (NM_001145923.2); c.3106C>G, p.Pro1036Ala (NM_001353009.2); short protein forms P784A, P902A, P1030A, P1036A, P896A.
Identifiers: ClinVar variation 3437860 (VCV003437860.2).

ClinVar aggregate classification (germline): Uncertain significance. Review status: criteria provided, multiple submitters, no conflicts (2 of 4 stars). 2 submissions from 2 submitters: Uncertain significance (2). Last evaluated 2025-09-22.

Conditions:
SCAPER-related disorder. Also called: SCAPER-related condition.
Inborn genetic diseases. Identifiers: MedGen C0950123, MeSH D030342.

gnomAD v4.1: 43 of 1,602,928 alleles (0.0027%); highest among the groups gnomAD compares: Non-Finnish European, 0.0035%; 1 homozygote.

Submissions (2):

PreventionGenetics, part of Exact Sciences
Classification: Uncertain significance for SCAPER-related condition. Last evaluated: 2025-09-22. Review status: criteria provided, single submitter. Criteria: ACMG Guidelines, 2015. Collection method: clinical testing. Allele origin: germline.
Comment: The SCAPER c.3106C>G variant is predicted to result in the amino acid substitution p.Pro1036Ala. To our knowledge, this variant has not been reported in the literature. This variant is reported in 0.0027% of alleles in individuals of European (Non-Finnish) descent in gnomAD. At this time, the clinical significance of this variant is uncertain due to the absence of conclusive functional and genetic evidence.

Ambry Genetics
Classification: Uncertain significance for Inborn genetic diseases. Last evaluated: 2024-08-20. Review status: criteria provided, single submitter. Criteria: Ambry Variant Classification Scheme 2023. Collection method: clinical testing. Allele origin: germline.